The following is an entry in ClinVar:

NM_001365951.3(KIF1B):c.5285T>G (p.Val1762Gly)

Gene: KIF1B (kinesin family member 1B; plus strand). Cytogenetic location: 1p36.22.
Variant type: single nucleotide variant.
Coding change: c.5285T>G on transcript NM_001365951.3 (MANE Select); coding-DNA position 5285, T replaced by G.
Protein change: p.Val1762Gly; replaces valine 1762 with glycine.
Molecular consequence: missense variant.
Genome position (GRCh38, 1-based): chr1:10,375,042, T>G. VCF-style: chr1-10375042-T-G. GRCh37 (hg19) VCF-style: chr1-10435100-T-G.
Other names: c.5285T>G, p.Val1762Gly (NM_001365952.1); c.5147T>G, p.Val1716Gly (NM_015074.3); short protein forms V1762G, V1716G.
Identifiers: ClinVar variation 1745639 (VCV001745639.2), dbSNP rs2521983832, ClinGen allele CA338330988.

ClinVar aggregate classification (germline): Uncertain significance (1 of 4 stars; one submission).

Submission:

Ambry Genetics
Classification: Uncertain significance. Last evaluated: 2022-10-08. Review status: criteria provided, single submitter. Criteria: Ambry Variant Classification Scheme 2023. Collection method: clinical testing. Allele origin: germline.
Comment: The p.V1716G variant (also known as c.5147T>G), located in coding exon 44 of the KIF1B gene, results from a T to G substitution at nucleotide position 5147. The valine at codon 1716 is replaced by glycine, an amino acid with dissimilar properties. This amino acid position is conserved. In addition, the in silico prediction for this alteration is inconclusive. Since supporting evidence is limited at this time, the clinical significance of this alteration remains unclear.